The following is an entry in ClinVar:

ClinVar aggregate classification (germline): Conflicting classifications of pathogenicity. Review status: criteria provided, conflicting classifications (1 of 4 stars). 2 submissions from 2 submitters: Uncertain significance (1); Likely benign (1). Last evaluated 2024-11-18.

Conditions:
Deafness-lymphedema-leukemia syndrome. Also called: Emberger syndrome; Lymphedema, primary, with myelodysplasia. Identifiers: Orphanet 3226, MedGen C3279664, MONDO:0013540, OMIM 614038.
Monocytopenia with susceptibility to infections. Also called: IMMUNODEFICIENCY 21; GATA2 DEFICIENCY; MONOCYTOPENIA AND MYCOBACTERIAL INFECTION SYNDROME; MONOCYTOPENIA WITH SUSCEPTIBILITY TO MYCOBACTERIAL, FUNGAL, AND PAPILLOMAVIRUS INFECTIONS AND MYELODYSPLASIA; COMBINED IMMUNODEFICIENCY WITH SUSCEPTIBILITY TO MYCOBACTERIAL, VIRAL, AND FUNGAL INFECTIONS; Dendritic cell, monocyte, B lymphocyte, and natural killer lymphocyte deficiency. Identifiers: Orphanet 228423, MedGen C3280030, MONDO:0013607, OMIM 614172.
Inborn genetic diseases. Identifiers: MedGen C0950123, MeSH D030342.

Allele frequency attached by ClinVar (database versions not stated): gnomAD exomes below 0.00001; gnomAD 0.00001.
gnomAD v4.1: 4 of 1,614,032 alleles (0.00025%); highest among the groups gnomAD compares: Admixed American, 0.0033%; no homozygotes.

Submissions (2):

Ambry Genetics
Classification: Uncertain significance for Inborn genetic diseases. Last evaluated: 2024-11-18. Review status: criteria provided, single submitter. Criteria: Ambry Variant Classification Scheme 2023. Collection method: clinical testing. Allele origin: germline.
Comment: The p.S227N variant (also known as c.680G>A), located in coding exon 2 of the GATA2 gene, results from a G to A substitution at nucleotide position 680. The serine at codon 227 is replaced by asparagine, an amino acid with highly similar properties. This amino acid position is conserved. In addition, the in silico prediction for this alteration is inconclusive. Based on the available evidence, the clinical significance of this variant remains unclear.

Labcorp Genetics (formerly Invitae), Labcorp
Classification: Likely benign for Monocytopenia with susceptibility to infections; Deafness-lymphedema-leukemia syndrome. Last evaluated: 2024-05-29. Review status: criteria provided, single submitter. Criteria: Invitae Variant Classification Sherloc (09022015). Collection method: clinical testing. Allele origin: germline.

NM_032638.5(GATA2):c.680G>A (p.Ser227Asn)

Gene: GATA2 (GATA binding protein 2; minus strand). Cytogenetic location: 3q21.3.
Variant type: single nucleotide variant.
Coding change: c.680G>A on transcript NM_032638.5 (MANE Select); coding-DNA position 680, G replaced by A.
Protein change: p.Ser227Asn; replaces serine 227 with asparagine.
Molecular consequence: missense variant.
Genome position (GRCh38, 1-based): chr3:128,485,918, C>T on the plus strand (G>A on the coding strand, the complement: GATA2 is on the minus strand). VCF-style: chr3-128485918-C-T. GRCh37 (hg19) VCF-style: chr3-128204761-C-T.
Other names: c.680G>A, p.Ser227Asn (NM_001145661.2, NM_001145662.1); short protein forms S227N.
Identifiers: ClinVar variation 941243 (VCV000941243.8), dbSNP rs1455317777, ClinGen allele CA354406258.